The following is an entry in ClinVar:

NM_016816.4(OAS1):c.664A>C (p.Lys222Gln)

Gene: OAS1 (2'-5'-oligoadenylate synthetase 1; plus strand). Cytogenetic location: 12q24.13.
Variant type: single nucleotide variant.
Coding change: c.664A>C on transcript NM_016816.4 (MANE Select); coding-DNA position 664, A replaced by C.
Protein change: p.Lys222Gln; replaces lysine 222 with glutamine.
Molecular consequence: missense variant.
Genome position (GRCh38, 1-based): chr12:112,916,518, A>C. VCF-style: chr12-112916518-A-C. GRCh37 (hg19) VCF-style: chr12-113354323-A-C.
Other names: c.664A>C, p.Lys222Gln (NM_001032409.3, NM_001320151.2, NM_002534.4); short protein forms K222Q.
Identifiers: ClinVar variation 1484828 (VCV001484828.8), dbSNP rs373706633, ClinGen allele CA6799864.

ClinVar aggregate classification (germline): Uncertain significance (1 of 4 stars; one submission).

Allele frequency attached by ClinVar (database versions not stated): gnomAD exomes 0.00001; TOPMed 0.00001; ESP Exome Variant Server 0.00008; ExAC 0.00001; gnomAD 0.00001.
gnomAD v4.1: 9 of 1,613,888 alleles (0.00056%); highest among the groups gnomAD compares: South Asian, 0.0066%; no homozygotes.

Submission:

Labcorp Genetics (formerly Invitae), Labcorp
Classification: Uncertain significance. Last evaluated: 2023-10-13. Review status: criteria provided, single submitter. Criteria: Invitae Variant Classification Sherloc (09022015). Collection method: clinical testing. Allele origin: germline.
Comment: This sequence change replaces lysine, which is basic and polar, with glutamine, which is neutral and polar, at codon 222 of the OAS1 protein (p.Lys222Gln). This variant is present in population databases (rs373706633, gnomAD 0.006%). This variant has not been reported in the literature in individuals affected with OAS1-related conditions. ClinVar contains an entry for this variant (Variation ID: 1484828). Algorithms developed to predict the effect of missense changes on protein structure and function output the following: SIFT: "Not Available"; PolyPhen-2: "Benign"; Align-GVGD: "Not Available". The glutamine amino acid residue is found in multiple mammalian species, which suggests that this missense change does not adversely affect protein function. In summary, the available evidence is currently insufficient to determine the role of this variant in disease. Therefore, it has been classified as a Variant of Uncertain Significance.